The following is an entry in ClinVar:

NM_001035.3(RYR2):c.10680T>A (p.His3560Gln)

Gene: RYR2 (ryanodine receptor 2; plus strand). Cytogenetic location: 1q43.
Variant type: single nucleotide variant.
Coding change: c.10680T>A on transcript NM_001035.3 (MANE Select); coding-DNA position 10680, T replaced by A.
Protein change: p.His3560Gln; replaces histidine 3560 with glutamine.
Molecular consequence: missense variant.
Genome position (GRCh38, 1-based): chr1:237,723,253, T>A. VCF-style: chr1-237723253-T-A. GRCh37 (hg19) VCF-style: chr1-237886553-T-A.
Other names: p.H3560Q:CAT>CAA; short protein forms H3560Q.
Identifiers: ClinVar variation 165117 (VCV000165117.43), dbSNP rs727503404, ClinGen allele CA006741.

ClinVar aggregate classification (germline): Uncertain significance. Review status: criteria provided, multiple submitters, no conflicts (2 of 4 stars). 13 submissions from 13 submitters: Uncertain significance (13). Last evaluated 2025-12-20.

Conditions:
Ventricular arrhythmias due to cardiac ryanodine receptor calcium release deficiency syndrome. Also called: Autosomal dominant cardiac arrhythmia (Kuhn). Identifiers: MedGen C5542154, MONDO:0020745, OMIM 115000.
Cardiovascular phenotype. Identifiers: MedGen CN230736.
Arrhythmogenic right ventricular dysplasia 2. Identifiers: MedGen C1832931.
Catecholaminergic polymorphic ventricular tachycardia 1. Also called: VENTRICULAR TACHYCARDIA, STRESS-INDUCED POLYMORPHIC 1; VENTRICULAR TACHYCARDIA, CATECHOLAMINERGIC POLYMORPHIC, 1, WITH OR WITHOUT ATRIAL DYSFUNCTION AND/OR DILATED CARDIOMYOPATHY; RYR2-Related Catecholaminergic Polymorphic Ventricular Tachycardia. Identifiers: Orphanet 3286, MedGen C1631597, MONDO:0011484, OMIM 604772.
Catecholaminergic polymorphic ventricular tachycardia (CVPT). Also called: Catecholamine-induced polymorphic ventricular tachycardia. Identifiers: Orphanet 3286, MedGen C5574922, MONDO:0017990.
Cardiomyopathy (CMYO). Also called: Cardiomyopathies. Identifiers: Orphanet 167848, MedGen C0878544, MONDO:0004994, HP:0001638. Inheritance: Various modes of inheritance.

Allele frequency attached by ClinVar (database versions not stated): ExAC 0.00004; gnomAD 0.00008 and 0.00009; TOPMed 0.00006.
gnomAD v4.1: 115 of 1,611,782 alleles (0.0071%); highest among the groups gnomAD compares: Admixed American, 0.01%; no homozygotes.

Submissions 1 to 8 of 13:

Labcorp Genetics (formerly Invitae), Labcorp
Classification: Uncertain significance for Catecholaminergic polymorphic ventricular tachycardia 1. Last evaluated: 2025-12-20. Review status: criteria provided, single submitter. Criteria: Invitae Variant Classification Sherloc (09022015). Collection method: clinical testing. Allele origin: germline.
Comment: This sequence change replaces histidine, which is basic and polar, with glutamine, which is neutral and polar, at codon 3560 of the RYR2 protein (p.His3560Gln). This variant is present in population databases (rs727503404, gnomAD 0.01%). This missense change has been observed in individual(s) with clinical features of RYR2-related conditions (PMID: 31112425). ClinVar contains an entry for this variant (Variation ID: 165117). Invitae Evidence Modeling of protein sequence and biophysical properties (such as structural, functional, and spatial information, amino acid conservation, physicochemical variation, residue mobility, and thermodynamic stability) indicates that this missense variant is expected to disrupt RYR2 protein function with a positive predictive value of 80%. In summary, the available evidence is currently insufficient to determine the role of this variant in disease. Therefore, it has been classified as a Variant of Uncertain Significance.

Dasa
Classification: Uncertain significance for Ventricular arrhythmias due to cardiac ryanodine receptor calcium release deficiency syndrome. Last evaluated: 2025-08-11. Review status: criteria provided, single submitter. Criteria: DASA Assertion Criteria. Collection method: clinical testing. Allele origin: germline.
Comment: NM_001035.3(RYR2):c.10680T>A (p.His3560Gln) is a missense variant that results in the substitution of histidine with glutamine. This variant has been reported in individuals with RYR2-related disorders. Also, this variant is rare in population databases. Computational prediction algorithms are consistent with a deleterious effect. The currently available literature and clinical evidence are not sufficient to establish a definitive association between this variant and the reported condition. Therefore, this variant is classified as a variant of uncertain significance.

Ambry Genetics
Classification: Uncertain significance for Cardiovascular phenotype. Last evaluated: 2025-05-02. Review status: criteria provided, single submitter. Criteria: Ambry Variant Classification Scheme 2023. Collection method: clinical testing. Allele origin: germline.
Comment: The p.H3560Q variant (also known as c.10680T>A), located in coding exon 74 of the RYR2 gene, results from a T to A substitution at nucleotide position 10680. The histidine at codon 3560 is replaced by glutamine, an amino acid with highly similar properties. This amino acid position is highly conserved in available vertebrate species. In addition, this alteration is predicted to be deleterious by in silico analysis. Based on the available evidence, the clinical significance of this variant remains unclear.

All of Us Research Program, National Institutes of Health
Classification: Uncertain significance for Catecholaminergic polymorphic ventricular tachycardia. Last evaluated: 2024-09-23. Review status: criteria provided, single submitter. Criteria: ACMG Guidelines, 2015. Collection method: clinical testing. Allele origin: germline. Inheritance: Autosomal dominant inheritance. Observed: 22 variant alleles, 22 heterozygotes.
Comment: This missense variant replaces histidine with glutamine at codon 3560 of the RYR2 protein. Computational prediction tools and conservation analyses suggest that this variant may have deleterious impact on the protein function. Computational splicing tools suggest that this variant may not impact RNA splicing. To our knowledge, functional assays have not been performed for this variant nor has this variant been reported in individuals affected with cardiovascular disorders in the literature. This variant has been identified in 16/279974 chromosomes in the general population by the Genome Aggregation Database (gnomAD). Available evidence is insufficient to determine the role of this variant in disease conclusively. Therefore, this variant is classified as a Variant of Uncertain Significance.

This study involves interpretation of variants in research participants for the purpose of population health screening. Participant phenotype was not available at the time of variant classification. Additional details can be found in publication PMID: 35346344, PMCID: PMC8962531

GeneDx
Classification: Uncertain significance. Last evaluated: 2024-05-29. Review status: criteria provided, single submitter. Criteria: GeneDx Variant Classification Process June 2021. Collection method: clinical testing. Allele origin: germline. Affected: yes.
Comment: Reported in one individual from a cohort of individuals not selected for cardiomyopathy, arrhythmia or family history of sudden cardiac death who underwent exome sequencing; however, a follow-up cardiac evaluation was not described (PMID: 23861362); Variant observed in unrelated individuals referred for cardiac genetic testing at GeneDx who had different genetic etiologies for their phenotypes; In silico analysis supports that this missense variant has a deleterious effect on protein structure/function; This variant is associated with the following publications: (PMID: 19926015, 23861362)

Color Diagnostics, LLC DBA Color Health
Classification: Uncertain significance for Cardiomyopathy. Last evaluated: 2024-04-17. Review status: criteria provided, single submitter. Criteria: ACMG Guidelines, 2015. Collection method: clinical testing. Allele origin: germline.
Comment: This missense variant replaces histidine with glutamine at codon 3560 of the RYR2 protein. Computational prediction suggests that this variant may have deleterious impact on protein structure and function (internally defined REVEL score threshold >= 0.7, PMID: 27666373). To our knowledge, functional studies have not been reported for this variant. This variant has not been reported in individuals affected with cardiovascular disorders in the literature. This variant has been identified in 16/279974 chromosomes in the general population by the Genome Aggregation Database (gnomAD). The available evidence is insufficient to determine the role of this variant in disease conclusively. Therefore, this variant is classified as a Variant of Uncertain Significance.

Women's Health and Genetics/Laboratory Corporation of America, LabCorp
Classification: Uncertain significance. Last evaluated: 2023-03-21. Review status: criteria provided, single submitter. Criteria: LabCorp Variant Classification Summary - May 2015. Collection method: clinical testing. Allele origin: germline.
Comment: Variant summary: RYR2 c.10680T>A (p.His3560Gln) results in a non-conservative amino acid change in the encoded protein sequence. Four of five in-silico tools predict a damaging effect of the variant on protein function. The variant allele was found at a frequency of 5.7e-05 in 279974 control chromosomes (gnomAD), predominantly at a frequency of 0.00011 within the Non-Finnish European subpopulation in the gnomAD database. The observed variant frequency within Non-Finnish European control individuals in the gnomAD database is approximately 3 fold of the estimated maximal expected allele frequency for a pathogenic variant in RYR2 causing Catecholaminergic Polymorphic Ventricular Tachycardia phenotype (3.4e-05), strongly suggesting that the variant is a benign polymorphism found primarily in populations of Non-Finnish European origin. c.10680T>A has been reported in the literature in a study cohort of RYR2 positive individuals without a specific reported phenotype (Giudicessi_2019). This report does not provide unequivocal conclusions about association of the variant with Catecholaminergic Polymorphic Ventricular Tachycardia. To our knowledge, no experimental evidence demonstrating an impact on protein function has been reported. Eight ClinVar submitters have assessed the variant since 2014: all classified the variant as uncertain significance. Based on the evidence outlined above, the variant was classified as VUS-possibly benign.

Fulgent Genetics
Classification: Uncertain significance for Ventricular arrhythmias due to cardiac ryanodine receptor calcium release deficiency syndrome; Catecholaminergic polymorphic ventricular tachycardia 1. Last evaluated: 2021-08-12. Review status: criteria provided, single submitter. Criteria: ACMG Guidelines, 2015. Collection method: clinical testing. Allele origin: unknown.